The following is an entry in ClinVar:

NM_005219.5(DIAPH1):c.2117C>T (p.Pro706Leu)

Gene: DIAPH1 (diaphanous related formin 1; minus strand). Cytogenetic location: 5q31.3.
Variant type: single nucleotide variant.
Coding change: c.2117C>T on transcript NM_005219.5 (MANE Select); coding-DNA position 2117, C replaced by T.
Protein change: p.Pro706Leu; replaces proline 706 with leucine.
Molecular consequence: missense variant.
Genome position (GRCh38, 1-based): chr5:141,573,733, G>A on the plus strand (C>T on the coding strand, the complement: DIAPH1 is on the minus strand). VCF-style: chr5-141573733-G-A. GRCh37 (hg19) VCF-style: chr5-140953300-G-A.
Other names: c.2090C>T, p.Pro697Leu (NM_001079812.3); c.2117C>T, p.Pro706Leu (NM_001314007.2); short protein forms P706L, P697L.
Identifiers: ClinVar variation 4794396 (VCV004794396.1).

ClinVar aggregate classification (germline): Uncertain significance (1 of 4 stars; one submission).

Conditions:
Autosomal dominant nonsyndromic hearing loss 1. Also called: DEAFNESS, AUTOSOMAL DOMINANT 1, WITH OR WITHOUT THROMBOCYTOPENIA; KONIGSMARK SYNDROME. Identifiers: Orphanet 90635, MedGen C1852282, MONDO:0007424, OMIM 124900.
Progressive microcephaly-seizures-cortical blindness-developmental delay syndrome. Also called: Seizures, cortical blindness, and microcephaly syndrome. Identifiers: Orphanet 477814, MedGen C5567650, MONDO:0014714, OMIM 616632.

Submission:

Labcorp Genetics (formerly Invitae), Labcorp
Classification: Uncertain significance for Progressive microcephaly-seizures-cortical blindness-developmental delay syndrome; Autosomal dominant nonsyndromic hearing loss 1. Last evaluated: 2025-10-21. Review status: criteria provided, single submitter. Criteria: Invitae Variant Classification Sherloc (09022015). Collection method: clinical testing. Allele origin: germline.
Comment: This sequence change replaces proline, which is neutral and non-polar, with leucine, which is neutral and non-polar, at codon 706 of the DIAPH1 protein (p.Pro706Leu). This variant is not present in population databases (gnomAD no frequency). This variant has not been reported in the literature in individuals affected with DIAPH1-related conditions. Experimental studies and prediction algorithms are not available or were not evaluated, and the functional significance of this variant is currently unknown. In summary, the available evidence is currently insufficient to determine the role of this variant in disease. Therefore, it has been classified as a Variant of Uncertain Significance.